The following is an entry in ClinVar:

NM_006662.3(SRCAP):c.7261C>T (p.Arg2421Cys)

Gene: SRCAP (Snf2 related CREBBP activator protein; plus strand). Cytogenetic location: 16p11.2.
Variant type: single nucleotide variant.
Coding change: c.7261C>T on transcript NM_006662.3 (MANE Select); coding-DNA position 7261, C replaced by T.
Protein change: p.Arg2421Cys; replaces arginine 2421 with cysteine.
Molecular consequence: missense variant.
Genome position (GRCh38, 1-based): chr16:30,737,301, C>T. VCF-style: chr16-30737301-C-T. GRCh37 (hg19) VCF-style: chr16-30748622-C-T.
Other names: short protein forms R2421C.
Identifiers: ClinVar variation 2166899 (VCV002166899.4), dbSNP rs774189253, ClinGen allele CA8012448.
Genomic context (GRCh38, chr16:30,737,301, plus strand): 5'-GGAGCCCGGGCTGAGACTCAAGGGGCAAACCACACTCCTGTCATATCCGCCCATCAAACT[C>T]GCAGCACCACCACACCACCCCGCTGCAGTCCTGCCAGGGAGCGAGTTCCCAGGCCAGCAC-3'
Protein context (NP_006653.2, residues 2411-2431): HTPVISAHQT[Arg2421Cys]STTTPPRCSP

ClinVar aggregate classification (germline): Uncertain significance (1 of 4 stars; one submission).

Allele frequency attached by ClinVar (database versions not stated): gnomAD exomes below 0.00001; ExAC 0.00001; gnomAD 0.00001; TOPMed 0.00001.
gnomAD v4.1: 8 of 1,613,932 alleles (0.0005%); highest among the groups gnomAD compares: East Asian, 0.0022%; no homozygotes.

Submission:

Labcorp Genetics (formerly Invitae), Labcorp
Classification: Uncertain significance. Last evaluated: 2025-06-12. Review status: criteria provided, single submitter. Criteria: Invitae Variant Classification Sherloc (09022015). Collection method: clinical testing. Allele origin: germline.
Comment: This sequence change replaces arginine, which is basic and polar, with cysteine, which is neutral and slightly polar, at codon 2421 of the SRCAP protein (p.Arg2421Cys). This variant is present in population databases (rs774189253, gnomAD 0.003%). This variant has not been reported in the literature in individuals affected with SRCAP-related conditions. ClinVar contains an entry for this variant (Variation ID: 2166899). Invitae Evidence Modeling of protein sequence and biophysical properties (such as structural, functional, and spatial information, amino acid conservation, physicochemical variation, residue mobility, and thermodynamic stability) indicates that this missense variant is not expected to disrupt SRCAP protein function with a negative predictive value of 80%. In summary, the available evidence is currently insufficient to determine the role of this variant in disease. Therefore, it has been classified as a Variant of Uncertain Significance.